The following is an entry in ClinVar:

ClinVar aggregate classification (germline): Uncertain significance (1 of 4 stars; one submission).

Conditions:
Epidermolysis bullosa simplex with nail dystrophy (EBS5D). Identifiers: MedGen C4225309, MONDO:0014661, OMIM 616487.
Epidermolysis bullosa simplex, Ogna type (EBS5A). Also called: EPIDERMOLYSIS BULLOSA SIMPLEX 5A, OGNA TYPE; Pidermolysis bullosa simplex 5A, Ogna type. Identifiers: Orphanet 79401, MedGen C0432317, MONDO:0007555, OMIM 131950.
Autosomal recessive limb-girdle muscular dystrophy type 2Q (LGMDR17). Also called: MUSCULAR DYSTROPHY, LIMB-GIRDLE, AUTOSOMAL RECESSIVE 17. Identifiers: Orphanet 254361, MedGen C3150989, MONDO:0013390, OMIM 613723.
Epidermolysis bullosa simplex 5B, with muscular dystrophy (EBS5B). Also called: EPIDERMOLYSIS BULLOSA SIMPLEX AND LIMB-GIRDLE MUSCULAR DYSTROPHY; Epidermolysis bullosa simplex with muscular dystrophy. Identifiers: Orphanet 257, MedGen C2931072, MONDO:0009181, OMIM 226670.
Epidermolysis bullosa simplex 5C, with pyloric atresia (EBS5C). Also called: PLEC-Related Epidermolysis Bullosa with Pyloric Atresia; Epidermolysis bullosa simplex with pyloric atresia; PLEC1-Related Epidermolysis Bullosa with Pyloric Atresia. Identifiers: Orphanet 158684, MedGen C2677349, MONDO:0012807, OMIM 612138.

Submission:

Labcorp Genetics (formerly Invitae), Labcorp
Classification: Uncertain significance for Autosomal recessive limb-girdle muscular dystrophy type 2Q; Epidermolysis bullosa simplex, Ogna type; Epidermolysis bullosa simplex with nail dystrophy; Epidermolysis bullosa simplex 5C, with pyloric atresia; Epidermolysis bullosa simplex 5B, with muscular dystrophy. Last evaluated: 2025-07-09. Review status: criteria provided, single submitter. Criteria: Invitae Variant Classification Sherloc (09022015). Collection method: clinical testing. Allele origin: germline.
Comment: This sequence change replaces serine, which is neutral and polar, with proline, which is neutral and non-polar, at codon 2814 of the PLEC protein (p.Ser2814Pro). This variant is not present in population databases (gnomAD no frequency). This variant has not been reported in the literature in individuals affected with PLEC-related conditions. An algorithm developed to predict the effect of missense changes on protein structure and function (PolyPhen-2) suggests that this variant is likely to be disruptive. In summary, the available evidence is currently insufficient to determine the role of this variant in disease. Therefore, it has been classified as a Variant of Uncertain Significance.

NM_201384.3(PLEC):c.8359T>C (p.Ser2787Pro)

Gene: PLEC (plectin; minus strand). Cytogenetic location: 8q24.3.
Variant type: single nucleotide variant.
Coding change: c.8359T>C on transcript NM_201384.3 (MANE Select); coding-DNA position 8359, T replaced by C.
Protein change: p.Ser2787Pro; replaces serine 2787 with proline.
Molecular consequence: missense variant.
Genome position (GRCh38, 1-based): chr8:143,921,462, A>G on the plus strand (T>C on the coding strand, the complement: PLEC is on the minus strand). VCF-style: chr8-143921462-A-G. GRCh37 (hg19) VCF-style: chr8-144995630-A-G.
Other names: c.8440T>C, p.Ser2814Pro (NM_000445.5); c.5059T>C, p.Ser1687Pro (NM_001410941.1); c.8317T>C, p.Ser2773Pro (NM_201378.4); c.8293T>C, p.Ser2765Pro (NM_201379.3); c.8770T>C, p.Ser2924Pro (NM_201380.4); c.8263T>C, p.Ser2755Pro (NM_201381.3); c.8359T>C, p.Ser2787Pro (NM_201382.4); c.8371T>C, p.Ser2791Pro (NM_201383.3); short protein forms S2765P, S2791P, S2814P, S2755P, S2924P, S1687P, S2787P, S2773P.
Identifiers: ClinVar variation 4785528 (VCV004785528.1).
Genomic context (GRCh38, chr8:143,921,462, plus strand): 5'-CCAGCAGGCGGATGCCGTGCTCCCGGACGATGAGGCCCTTCTGCATGGCTTGGAAGAGAG[A>G]GATCTGCTGGCCAGTGTAGGGGTCCTTGTAGCCAGTGACGGCGCGCTCGGCCGACAGCAG-3'
Protein context (NP_958786.1, residues 2777-2797): YKDPYTGQQI[Ser2787Pro]LFQAMQKGLI